The following is an entry in ClinVar:

ClinVar aggregate classification (germline): Uncertain significance. Review status: criteria provided, multiple submitters, no conflicts (2 of 4 stars). 2 submissions from 2 submitters: Uncertain significance (2). Last evaluated 2025-06-10.

Conditions:
Inborn genetic diseases. Identifiers: MedGen C0950123, MeSH D030342.
Autosomal dominant childhood-onset proximal spinal muscular atrophy with contractures (SMALED2A). Also called: Spinal muscular atrophy, lower extremity-predominant, 2A, autosomal dominant; SPINAL MUSCULAR ATROPHY, LOWER EXTREMITY-PREDOMINANT, 2A, CHILDHOOD ONSET, AUTOSOMAL DOMINANT. Identifiers: Orphanet 363447, Orphanet 363454, MedGen C4747715, MONDO:0014121, OMIM 615290.

Allele frequency attached by ClinVar (database versions not stated): ExAC 0.00002; gnomAD exomes 0.00001.
gnomAD v4.1: 17 of 1,614,130 alleles (0.0011%); highest among the groups gnomAD compares: Middle Eastern, 0.016%; no homozygotes.

Submissions (2):

Labcorp Genetics (formerly Invitae), Labcorp
Classification: Uncertain significance for Autosomal dominant childhood-onset proximal spinal muscular atrophy with contractures. Last evaluated: 2025-06-10. Review status: criteria provided, single submitter. Criteria: Invitae Variant Classification Sherloc (09022015). Collection method: clinical testing. Allele origin: germline.
Comment: This sequence change replaces arginine, which is basic and polar, with glutamine, which is neutral and polar, at codon 398 of the BICD2 protein (p.Arg398Gln). This variant is present in population databases (rs749831276, gnomAD 0.009%). This variant has not been reported in the literature in individuals affected with BICD2-related conditions. ClinVar contains an entry for this variant (Variation ID: 2538412). Invitae Evidence Modeling of protein sequence and biophysical properties (such as structural, functional, and spatial information, amino acid conservation, physicochemical variation, residue mobility, and thermodynamic stability) indicates that this missense variant is not expected to disrupt BICD2 protein function with a negative predictive value of 80%. In summary, the available evidence is currently insufficient to determine the role of this variant in disease. Therefore, it has been classified as a Variant of Uncertain Significance.

Ambry Genetics
Classification: Uncertain significance for Inborn genetic diseases. Last evaluated: 2023-04-24. Review status: criteria provided, single submitter. Criteria: Ambry Variant Classification Scheme 2023. Collection method: clinical testing. Allele origin: germline.

NM_001003800.2(BICD2):c.1193G>A (p.Arg398Gln)

Gene: BICD2 (BICD cargo adaptor 2; minus strand). Cytogenetic location: 9q22.31.
Variant type: single nucleotide variant.
Coding change: c.1193G>A on transcript NM_001003800.2 (MANE Select); coding-DNA position 1193, G replaced by A.
Protein change: p.Arg398Gln; replaces arginine 398 with glutamine.
Molecular consequence: missense variant.
Genome position (GRCh38, 1-based): chr9:92,719,452, C>T on the plus strand (G>A on the coding strand, the complement: BICD2 is on the minus strand). VCF-style: chr9-92719452-C-T. GRCh37 (hg19) VCF-style: chr9-95481734-C-T.
Other names: c.1193G>A, p.Arg398Gln (NM_015250.4); short protein forms R398Q.
Identifiers: ClinVar variation 2538412 (VCV002538412.5), dbSNP rs749831276, ClinGen allele CA5126611.
Genomic context (GRCh38, chr9:92,719,452, plus strand): 5'-CTGTCACGGTCCTTCTCGTTGTCCAGGGCTGTCTGCCGCTCCTTGCTGGCCTGCAGGCGC[C>T]GCAGGGCACTCAGATTCTCTGTGAGGCGGGTCACCTTCTCCTGCTGTTCTGACAGGGAGC-3'
Protein context (NP_001003800.1, residues 388-408): TRLTENLSAL[Arg398Gln]RLQASKERQT